The following is an entry in ClinVar:

ClinVar aggregate classification (germline): Uncertain significance (1 of 4 stars; one submission).

Conditions:
PULMONARY ALVEOLAR MICROLITHIASIS. Identifiers: Orphanet 60025, MedGen C0155912, MONDO:0009928, OMIM 265100.

Submission:

MVZ Medizinische Genetik Mainz
Classification: Uncertain significance for PULMONARY ALVEOLAR MICROLITHIASIS. Last evaluated: 2022-07-29. Review status: criteria provided, single submitter. Criteria: UK Practice Guidelines For Variant Classification V4 01 2020. Collection method: clinical testing. Allele origin: germline. Inheritance: Autosomal recessive inheritance. Affected: yes. Observed: 1 variant allele.
Comment: ACMG Criteria: PM1_SUP, PM2_SUP, PM3_SUP (ACMG Version 4)

NM_006424.3(SLC34A2):c.1878_1879insGGCGCGTGCTGC (p.Cys626_Arg627insGlyAlaCysCys)

Gene: SLC34A2 (solute carrier family 34 member 2; plus strand). Cytogenetic location: 4p15.2.
Variant type: Insertion.
Coding change: c.1878_1879insGGCGCGTGCTGC on transcript NM_006424.3 (MANE Select); coding-DNA positions 1878 to 1879, GGCGCGTGCTGC inserted.
Protein change: p.Cys626_Arg627insGlyAlaCysCys.
Molecular consequence: inframe insertion.
Genome position: GRCh38 VCF-style: chr4-25676547-T-TGTGCTGCGGCGC. GRCh37 (hg19) VCF-style: chr4-25678169-T-TGTGCTGCGGCGC.
Other names: c.1875_1876insGGCGCGTGCTGC, p.Cys625_Arg626insGlyAlaCysCys (NM_001177998.2, NM_001177999.2).
Identifiers: ClinVar variation 3236214 (VCV003236214.1), dbSNP rs2474781800, ClinGen allele CA2825001291.